The following is an entry in ClinVar:

NM_000257.4(MYH7):c.4452C>T (p.Leu1484=)

Genes: MHRT (myosin heavy chain associated RNA transcript; plus strand), MYH7 (myosin heavy chain 7; minus strand). Cytogenetic location: 14q11.2.
Variant type: single nucleotide variant.
Coding change: c.4452C>T on transcript NM_000257.4 (MANE Select); coding-DNA position 4452, C replaced by T.
Protein change: p.Leu1484=; no amino-acid change (leucine 1484 retained).
Molecular consequence: synonymous variant. On other transcripts: non-coding transcript variant (1).
Genome position (GRCh38, 1-based): chr14:23,417,220, G>A on the plus strand (C>T on the coding strand, the complement: MYH7 is on the minus strand). VCF-style: chr14-23417220-G-A. GRCh37 (hg19) VCF-style: chr14-23886429-G-A.
Other names: NM_000257.3(MYH7):c.4452C>T.
Identifiers: ClinVar variation 43019 (VCV000043019.38), dbSNP rs61737803, ClinGen allele CA014994.

ClinVar aggregate classification (germline): Benign. Review status: reviewed by expert panel (3 of 4 stars). 19 submissions from 19 submitters: Benign (1). 18 of the submissions do not count toward it. Last evaluated 2025-11-11.

Conditions:
Cardiomyopathy (CMYO). Also called: Cardiomyopathies. Identifiers: Orphanet 167848, MedGen C0878544, MONDO:0004994, HP:0001638. Inheritance: Various modes of inheritance.
Hypertrophic cardiomyopathy. Also called: HYPERTROPHIC MYOCARDIOPATHY. Identifiers: Orphanet 217569, MedGen C0007194, MeSH D002312, MONDO:0005045, HP:0001639.

Allele frequency attached by ClinVar (database versions not stated): gnomAD exomes 0.00062 and 0.00023; ExAC 0.00080; 1000 Genomes Project 30x 0.00203; gnomAD 0.00275 and 0.00259; 1000 Genomes Project 0.00220; ESP Exome Variant Server 0.00261; TOPMed 0.00301.
gnomAD v4.1: 751 of 1,614,188 alleles (0.047%); highest among the groups gnomAD compares: African/African-American, 0.86%; 2 homozygotes.

Submissions (19):

ClinGen Cardiomyopathy Variant Curation Expert Panel
Classification: Benign for Hypertrophic cardiomyopathy. Last evaluated: 2025-11-11. Review status: reviewed by expert panel. Criteria: ClinGen CMP ACMG Specifications MYH7 V2.0.0. Collection method: curation. Allele origin: germline. Inheritance: Autosomal dominant inheritance.
Comment: The filtering allele frequency of the c.4452C>T (p.Leu1484=) variant in the MYH7 gene is 0.74% (92/10406) of African chromosomes by the Exome Aggregation Consortium, which is a high enough frequency to be classified as benign based on thresholds defined by the ClinGen Inherited Cardiomyopathy Expert Panel (BA1; PMID:29300372).

CeGaT Center for Human Genetics Tuebingen
Classification: Likely benign. Last evaluated: 2026-09-01. Review status: criteria provided, single submitter. Criteria: CeGaT Center For Human Genetics Tuebingen Variant Classification Criteria Version 2. Collection method: clinical testing. Allele origin: germline. Affected: yes. Observed: 1 variant allele. Not counted in ClinVar's aggregate classification.
Comment: MYH7: BP4

Labcorp Genetics (formerly Invitae), Labcorp
Classification: Benign for Hypertrophic cardiomyopathy. Last evaluated: 2026-02-03. Review status: criteria provided, single submitter. Criteria: Invitae Variant Classification Sherloc (09022015). Collection method: clinical testing. Allele origin: germline. Not counted in ClinVar's aggregate classification.

ARUP Laboratories, Molecular Genetics and Genomics, ARUP Laboratories
Classification: Benign. Last evaluated: 2025-05-20. Review status: criteria provided, single submitter. Criteria: ARUP Molecular Germline Variant Investigation Process 2024. Collection method: clinical testing. Allele origin: germline. Not counted in ClinVar's aggregate classification.

Molecular Diagnostic Laboratory for Inherited Cardiovascular Disease, Montreal Heart Institute
Classification: Benign. Last evaluated: 2025-04-09. Review status: criteria provided, single submitter. Criteria: ACMG Guidelines, 2015. Collection method: clinical testing. Allele origin: germline. Affected: no. Not counted in ClinVar's aggregate classification.

Cohesion Phenomics
Classification: Benign for Hypertrophic Cardiomyopathy. Last evaluated: 2022-09-27. Review status: criteria provided, single submitter. Criteria: ACMG Guidelines, 2015. Collection method: clinical testing. Allele origin: germline. Affected: yes. Not counted in ClinVar's aggregate classification.

Color Diagnostics, LLC DBA Color Health
Classification: Benign for Cardiomyopathy. Last evaluated: 2018-10-16. Review status: criteria provided, single submitter. Criteria: ACMG Guidelines, 2015. Collection method: clinical testing. Allele origin: germline. Not counted in ClinVar's aggregate classification.

Mayo Clinic Laboratories, Mayo Clinic
Classification: Benign. Last evaluated: 2018-07-05. Review status: criteria provided, single submitter. Criteria: ACMG Guidelines, 2015. Collection method: clinical testing. Allele origin: germline. Observed: 8 variant alleles. Not counted in ClinVar's aggregate classification.

Athena Diagnostics
Classification: Likely benign. Last evaluated: 2018-01-26. Review status: criteria provided, single submitter. Criteria: Athena Diagnostics Criteria. Collection method: clinical testing. Allele origin: germline. Not counted in ClinVar's aggregate classification.

GeneDx
Classification: Benign. Last evaluated: 2015-03-03. Review status: criteria provided, single submitter. Criteria: GeneDx Variant Classification Process June 2021. Collection method: clinical testing. Allele origin: germline. Affected: yes. Not counted in ClinVar's aggregate classification.

Eurofins Ntd Llc (ga)
Classification: Benign. Last evaluated: 2015-01-23. Review status: criteria provided, single submitter. Criteria: EGL Classification Definitions 2015. Collection method: clinical testing. Allele origin: germline. Observed: 1 variant allele, 1 heterozygote. Not counted in ClinVar's aggregate classification.

Laboratory for Molecular Medicine, Mass General Brigham Personalized Medicine
Classification: Benign. Last evaluated: 2012-03-02. Review status: criteria provided, single submitter. Criteria: LMM Criteria. Collection method: clinical testing. Allele origin: germline. Observed: 11 variant alleles. Not counted in ClinVar's aggregate classification.
Comment: Leu1484Leu in exon 32 of MYH7: This variant is not expected to have clinical sig nificance because it has been identified in 0.7% (27/3738) of African American c hromosomes from a broad population by the NHLBI Exome Sequencing Project (dbSNP rs61737803).

PreventionGenetics, part of Exact Sciences
Classification: Benign. Review status: criteria provided, single submitter. Criteria: ACMG Guidelines, 2015. Collection method: clinical testing. Allele origin: germline. Not counted in ClinVar's aggregate classification.

Clinical Genetics DNA and cytogenetics Diagnostics Lab, Erasmus MC, Erasmus Medical Center
Classification: Benign. Review status: no assertion criteria provided. Collection method: clinical testing. Allele origin: germline. Affected: yes. Study: VKGL Data-share Consensus. Not counted in ClinVar's aggregate classification.

Clinical Genetics, Academic Medical Center
Classification: Benign. Review status: no assertion criteria provided. Collection method: clinical testing. Allele origin: germline. Affected: yes. Study: VKGL Data-share Consensus. Not counted in ClinVar's aggregate classification.

Diagnostic Laboratory, Department of Genetics, University Medical Center Groningen
Classification: Likely benign. Review status: no assertion criteria provided. Collection method: clinical testing. Allele origin: germline. Affected: yes. Study: VKGL Data-share Consensus. Not counted in ClinVar's aggregate classification.

Genome Diagnostics Laboratory, University Medical Center Utrecht
Classification: Likely benign. Review status: no assertion criteria provided. Collection method: clinical testing. Allele origin: germline. Affected: yes. Study: VKGL Data-share Consensus. Not counted in ClinVar's aggregate classification.

Joint Genome Diagnostic Labs from Nijmegen and Maastricht, Radboudumc and MUMC+
Classification: Likely benign. Review status: no assertion criteria provided. Collection method: clinical testing. Allele origin: germline. Affected: yes. Study: VKGL Data-share Consensus. Not counted in ClinVar's aggregate classification.

Laboratory of Diagnostic Genome Analysis, Leiden University Medical Center (LUMC)
Classification: Likely benign. Review status: no assertion criteria provided. Collection method: clinical testing. Allele origin: germline. Affected: yes. Study: VKGL Data-share Consensus. Not counted in ClinVar's aggregate classification.

Literature cited by the submitters: PubMed 29300372 (cited by ClinGen Cardiomyopathy Variant Curation Expert Panel); PubMed 27841901 (cited by Athena Diagnostics).